The following is an entry in ClinVar:

NM_001099922.3(ALG13):c.1031G>A (p.Gly344Asp)

Gene: ALG13 (ALG13 UDP-N-acetylglucosaminyltransferase subunit; plus strand). Cytogenetic location: Xq23.
Variant type: single nucleotide variant.
Coding change: c.1031G>A on transcript NM_001099922.3 (MANE Select); coding-DNA position 1031, G replaced by A.
Protein change: p.Gly344Asp; replaces glycine 344 with aspartic acid.
Molecular consequence: missense variant. On other transcripts: non-coding transcript variant (1).
Genome position (GRCh38, 1-based): chrX:111,717,871, G>A. VCF-style: chrX-111717871-G-A. GRCh37 (hg19) VCF-style: chrX-110961099-G-A.
Other names: c.719G>A, p.Gly240Asp (NM_001257230.2, NM_001257234.2, NM_001257237.2 and 1 more transcripts); c.797G>A, p.Gly266Asp (NM_001257231.2); c.1031G>A, p.Gly344Asp (NM_001324292.2); short protein forms G240D, G266D, G344D.
Identifiers: ClinVar variation 2505967 (VCV002505967.3), dbSNP rs2525736945, ClinGen allele CA414250690.

ClinVar aggregate classification (germline): Uncertain significance. Review status: criteria provided, multiple submitters, no conflicts (2 of 4 stars). 2 submissions from 2 submitters: Uncertain significance (2). Last evaluated 2024-05-12.

Conditions:
Developmental and epileptic encephalopathy, 36 (DEE36). Also called: Epileptic encephalopathy, early infantile, 36; Congenital disorder of glycosylation, type Is; ALG13-CDG. Identifiers: Orphanet 324422, MedGen C4317295, MONDO:0010472, OMIM 300884.

Allele frequency attached by ClinVar (database versions not stated): gnomAD exomes below 0.00001.
gnomAD v4.1: 2 of 1,204,313 alleles (0.00017%); highest among the groups gnomAD compares: Non-Finnish European, 0.00022%; no homozygotes.

Submissions (2):

Labcorp Genetics (formerly Invitae), Labcorp
Classification: Uncertain significance for Developmental and epileptic encephalopathy, 36. Last evaluated: 2024-05-12. Review status: criteria provided, single submitter. Criteria: Invitae Variant Classification Sherloc (09022015). Collection method: clinical testing. Allele origin: germline.
Comment: This sequence change replaces glycine, which is neutral and non-polar, with aspartic acid, which is acidic and polar, at codon 344 of the ALG13 protein (p.Gly344Asp). This variant is not present in population databases (gnomAD no frequency). This variant has not been reported in the literature in individuals affected with ALG13-related conditions. ClinVar contains an entry for this variant (Variation ID: 2505967). Advanced modeling of protein sequence and biophysical properties (such as structural, functional, and spatial information, amino acid conservation, physicochemical variation, residue mobility, and thermodynamic stability) performed at Invitae indicates that this missense variant is not expected to disrupt ALG13 protein function with a negative predictive value of 80%. In summary, the available evidence is currently insufficient to determine the role of this variant in disease. Therefore, it has been classified as a Variant of Uncertain Significance.

GeneDx
Classification: Uncertain significance. Last evaluated: 2022-12-14. Review status: criteria provided, single submitter. Criteria: GeneDx Variant Classification Process June 2021. Collection method: clinical testing. Allele origin: germline. Affected: yes.
Comment: Not observed at significant frequency in large population cohorts (gnomAD); In silico analysis supports that this missense variant has a deleterious effect on protein structure/function; Has not been previously published as pathogenic or benign to our knowledge